The following is an entry in ClinVar:

NM_002444.3(MSN):c.1349A>G (p.Gln450Arg)

Gene: MSN (moesin; plus strand). Cytogenetic location: Xq12.
Variant type: single nucleotide variant.
Coding change: c.1349A>G on transcript NM_002444.3 (MANE Select); coding-DNA position 1349, A replaced by G.
Protein change: p.Gln450Arg; replaces glutamine 450 with arginine.
Molecular consequence: missense variant.
Genome position (GRCh38, 1-based): chrX:65,738,974, A>G. VCF-style: chrX-65738974-A-G. GRCh37 (hg19) VCF-style: chrX-64958836-A-G.
Other names: short protein forms Q450R.
Identifiers: ClinVar variation 1717835 (VCV001717835.5), dbSNP rs2071708869, ClinGen allele CA413413851.

ClinVar aggregate classification (germline): Uncertain significance (1 of 4 stars; one submission).

Allele frequency attached by ClinVar (database versions not stated): TOPMed below 0.00001.

Submission:

Labcorp Genetics (formerly Invitae), Labcorp
Classification: Uncertain significance. Last evaluated: 2025-10-21. Review status: criteria provided, single submitter. Criteria: Invitae Variant Classification Sherloc (09022015). Collection method: clinical testing. Allele origin: germline.
Comment: This sequence change replaces glutamine, which is neutral and polar, with arginine, which is basic and polar, at codon 450 of the MSN protein (p.Gln450Arg). This variant is not present in population databases (gnomAD no frequency). This variant has not been reported in the literature in individuals affected with MSN-related conditions. ClinVar contains an entry for this variant (Variation ID: 1717835). An algorithm developed to predict the effect of missense changes on protein structure and function (PolyPhen-2) suggests that this variant is likely to be tolerated. In summary, the available evidence is currently insufficient to determine the role of this variant in disease. Therefore, it has been classified as a Variant of Uncertain Significance.